The following is an entry in ClinVar:

ClinVar aggregate classification (germline): Uncertain significance (1 of 4 stars; one submission).

gnomAD v4.1: 1 of 1,188,414 alleles (0.000084%); highest among the groups gnomAD compares: Middle Eastern, 0.023%; no homozygotes.

Submission:

CeGaT Center for Human Genetics Tuebingen
Classification: Uncertain significance. Last evaluated: 2026-06-01. Review status: criteria provided, single submitter. Criteria: CeGaT Center For Human Genetics Tuebingen Variant Classification Criteria Version 2. Collection method: clinical testing. Allele origin: germline. Affected: yes. Observed: 1 variant allele.
Comment: GPKOW: PM2, BP4

NM_015698.6(GPKOW):c.929C>G (p.Thr310Ser)

Gene: GPKOW (G-patch domain and KOW motifs; minus strand). Cytogenetic location: Xp11.23.
Variant type: single nucleotide variant.
Coding change: c.929C>G on transcript NM_015698.6 (MANE Select); coding-DNA position 929, C replaced by G.
Protein change: p.Thr310Ser; replaces threonine 310 with serine.
Molecular consequence: missense variant.
Genome position (GRCh38, 1-based): chrX:49,116,308, G>C on the plus strand (C>G on the coding strand, the complement: GPKOW is on the minus strand). VCF-style: chrX-49116308-G-C. GRCh37 (hg19) VCF-style: chrX-48972662-G-C.
Other names: short protein forms T310S.
Identifiers: ClinVar variation 4875321 (VCV004875321.2).